The following is an entry in ClinVar:

NM_000053.4(ATP7B):c.3188C>T (p.Ala1063Val)

Gene: ATP7B (ATPase copper transporting beta; minus strand). Cytogenetic location: 13q14.3.
Variant type: single nucleotide variant.
Coding change: c.3188C>T on transcript NM_000053.4 (MANE Select); coding-DNA position 3188, C replaced by T.
Protein change: p.Ala1063Val; replaces alanine 1063 with valine.
Molecular consequence: missense variant.
Genome position (GRCh38, 1-based): chr13:51,944,164, G>A on the plus strand (C>T on the coding strand, the complement: ATP7B is on the minus strand). VCF-style: chr13-51944164-G-A. GRCh37 (hg19) VCF-style: chr13-52518300-G-A.
Other names: c.2567C>T, p.Ala856Val (NM_001005918.3); c.2855C>T, p.Ala952Val (NM_001243182.2); c.2954C>T, p.Ala985Val (NM_001330578.2); c.2936C>T, p.Ala979Val (NM_001330579.2); short protein forms A1063V, A952V, A856V, A979V, A985V.
Identifiers: ClinVar variation 157945 (VCV000157945.32), dbSNP rs587783309, ClinGen allele CA171310.

ClinVar aggregate classification (germline): Conflicting classifications of pathogenicity. Review status: criteria provided, conflicting classifications (1 of 4 stars). 11 submissions from 11 submitters: Pathogenic (5); Likely pathogenic (2); Uncertain significance (2). 2 of the submissions do not count toward it. Last evaluated 2025-06-17.

Conditions:
Wilson disease (WND). Also called: Wilson's disease. Identifiers: Orphanet 905, MedGen C0019202, MONDO:0010200, OMIM 277900. Disease mechanism: loss of function.

Allele frequency attached by ClinVar (database versions not stated): gnomAD 0.00001; gnomAD exomes below 0.00001.
gnomAD v4.1: 7 of 1,613,984 alleles (0.00043%); highest among the groups gnomAD compares: East Asian, 0.0045%; no homozygotes.

Submissions (11):

Labcorp Genetics (formerly Invitae), Labcorp
Classification: Pathogenic for Wilson disease. Last evaluated: 2025-06-17. Review status: criteria provided, single submitter. Criteria: Invitae Variant Classification Sherloc (09022015). Collection method: clinical testing. Allele origin: germline.
Comment: This sequence change replaces alanine, which is neutral and non-polar, with valine, which is neutral and non-polar, at codon 1063 of the ATP7B protein (p.Ala1063Val). This variant is not present in population databases (gnomAD no frequency). This missense change has been observed in individual(s) with Wilson disease (PMID: 10544227, 20517649, 23518715). ClinVar contains an entry for this variant (Variation ID: 157945). Invitae Evidence Modeling of protein sequence and biophysical properties (such as structural, functional, and spatial information, amino acid conservation, physicochemical variation, residue mobility, and thermodynamic stability) indicates that this missense variant is expected to disrupt ATP7B protein function with a positive predictive value of 80%. For these reasons, this variant has been classified as Pathogenic.

Genomic Medicine Center of Excellence, King Faisal Specialist Hospital and Research Centre
Classification: Pathogenic for Wilson disease. Last evaluated: 2024-12-18. Review status: criteria provided, single submitter. Criteria: ACMG Guidelines, 2015. Collection method: clinical testing. Allele origin: germline.

Chongqing Key Laboratory of Child Rare Diseases in Infection and Immunity, Children’s Hospital of Chongqing Medical University
Classification: Uncertain significance for Wilson disease. Last evaluated: 2024-01-01. Review status: criteria provided, single submitter. Criteria: ACMG Guidelines, 2015. Collection method: clinical testing. Allele origin: germline. Inheritance: Autosomal recessive inheritance. Affected: yes.
Comment: Classified as Uncertain significance according to the ACMG/AMP 2015 guidelines (PMID:25741868). The classification was based on the available submitted evidence for Wilson disease (OMIM:277900), including clinical-testing observations, variant consequence/protein annotation, and published or ClinVar evidence where available. Supporting information considered: variant annotation: p.Ala1063Val; Missense; Protein domain: N-domain-enriched; submitted notation: NM_000053.4:c.3188C>T (p.Ala1063Val); source variant type: Missense; source domain: N-domain-enriched; allele count n=230: 1.

Baylor Genetics
Classification: Pathogenic for Wilson disease. Last evaluated: 2023-08-27. Review status: criteria provided, single submitter. Criteria: ACMG Guidelines, 2015. Collection method: clinical testing. Allele origin: unknown.

Women's Health and Genetics/Laboratory Corporation of America, LabCorp
Classification: Pathogenic for Wilson disease. Last evaluated: 2023-07-17. Review status: criteria provided, single submitter. Criteria: LabCorp Variant Classification Summary - May 2015. Collection method: clinical testing. Allele origin: germline.
Comment: Variant summary: ATP7B c.3188C>T (p.Ala1063Val) results in a non-conservative amino acid change located in the P-type ATPase, haloacid dehalogenase domain (IPR044492) of the encoded protein sequence. Five of five in-silico tools predict a damaging effect of the variant on protein function. The variant was absent in 249356 control chromosomes. c.3188C>T has been reported in the literature in multiple individuals affected with Wilson Disease (Loudianos_1999, Weiss_2010, AbdelGhaffar_2011). These data indicate that the variant is very likely to be associated with disease. To our knowledge, no experimental evidence demonstrating an impact on protein function has been reported. The following publications have been ascertained in the context of this evaluation (PMID: 21682854, 10544227, 20517649). Four submitters have cited clinical-significance assessments for this variant to ClinVar after 2014 and classified as pathogenic/likely pathogenic (n=2) and VUS (n=2). Based on the evidence outlined above, the variant was classified as pathogenic.

Genome-Nilou Lab
Classification: Uncertain significance for Wilson disease. Last evaluated: 2021-08-10. Review status: criteria provided, single submitter. Criteria: ACMG Guidelines, 2015. Collection method: clinical testing. Allele origin: germline. Affected: no.

Mayo Clinic Laboratories, Mayo Clinic
Classification: Likely pathogenic. Last evaluated: 2020-10-19. Review status: criteria provided, single submitter. Criteria: ACMG Guidelines, 2015. Collection method: clinical testing. Allele origin: germline.
Comment: PP3, PP4, PM2_moderate, PM3_strong, PS4_moderate

Laboratory for Molecular Medicine, Mass General Brigham Personalized Medicine
Classification: Likely pathogenic for Wilson disease. Last evaluated: 2020-06-11. Review status: criteria provided, single submitter. Criteria: ACMG Guidelines, 2015. Collection method: clinical testing. Allele origin: germline.
Comment: The p.Ala1063Val variant in ATP7B has been reported in several individuals with Wilson disease, including at least 2 homozygotes and 3 compound heterozygous individuals (Abdelghaffar 2008, Bost 2012, Cheng 2017, Coffey 2013, Gojova 2008, Loudianos 1999, Merle 2010, Nagasaka 2012, Nanji 1997, Nemeth 2016, Todorov 2016, Vrabelova 2005, Zong 2015). This variant is absent from large population studies. Computational prediction tools and conservation analyses suggest an impact to the protein. In summary, although additional studies are required to fully establish its clinical significance, this variant meets criteria to be classified as likely pathogenic for autosomal recessive Wilson disease. ACMG/AMP criteria applied: PM3_Strong, PM2, PP3, PP4.

Juno Genomics, Hangzhou Juno Genomics, Inc
Classification: Pathogenic for Wilson disease. Review status: criteria provided, single submitter. Criteria: ACMG Guidelines, 2015. Collection method: clinical testing. Allele origin: germline. Affected: yes.
Comment: Absent from controls (or at extremely low frequency if recessive) in Genome Aggregation Database, Exome Sequencing Project, 1000 Genomes Project, or Exome Aggregation Consortium.;Multiple lines of computational evidence support a deleterious effect on the gene or gene product (conservation, evolutionary, splicing impact, etc).;For recessive disorders, detected in trans with a pathogenic variant.

Counsyl
Classification: Likely pathogenic for Wilson disease. Last evaluated: 2017-09-08. Review status: no assertion criteria provided. Collection method: clinical testing. Allele origin: unknown. Not counted in ClinVar's aggregate classification.

Genetic Services Laboratory, University of Chicago
Classification: Benign. Last evaluated: 2013-02-08. Review status: flagged submission. Criteria: ACMG Guidelines, 2007. Collection method: clinical testing. Allele origin: germline. Inheritance: Autosomal recessive inheritance. Not counted in ClinVar's aggregate classification.
ClinVar note: Reason: Outlier claim with insufficient supporting evidence

Literature cited by the submitters: PubMed 10544227 (cited by 5 submitters); PubMed 20517649 (cited by 4 submitters); PubMed 23518715 (cited by 4 submitters); PubMed 21682854 (cited by 3 submitters); PubMed 15967699 (cited by 3 submitters); PubMed 18403153 (cited by Mayo Clinic Laboratories, Mayo Clinic and Counsyl); PubMed 20082719 (cited by Mayo Clinic Laboratories, Mayo Clinic and Laboratory for Molecular Medicine, Mass General Brigham Personalized Medicine); PubMed 22677543 (cited by 3 submitters); PubMed 22692182 (cited by Mayo Clinic Laboratories, Mayo Clinic); PubMed 22940187 (cited by 3 submitters); PubMed 26782526 (cited by 3 submitters); PubMed 26819605 (cited by 3 submitters); PubMed 27982432 (cited by 3 submitters); PubMed 27992490 (cited by 3 submitters); PubMed 34470610 (cited by Mayo Clinic Laboratories, Mayo Clinic); PubMed 37157876 (cited by Mayo Clinic Laboratories, Mayo Clinic); PubMed 9199563 (cited by 3 submitters); PubMed 18371106 (cited by Laboratory for Molecular Medicine, Mass General Brigham Personalized Medicine); PubMed 18483695 (cited by Laboratory for Molecular Medicine, Mass General Brigham Personalized Medicine).